The following is an entry in ClinVar:

ClinVar aggregate classification (germline): Likely benign (0 of 4 stars; one submission).

Conditions:
ADCY3-related disorder. Also called: ADCY3-related condition.

gnomAD v4.1: 35 of 1,613,772 alleles (0.0022%); highest among the groups gnomAD compares: Middle Eastern, 0.017%; no homozygotes.

Submission:

PreventionGenetics, part of Exact Sciences
Classification: Likely benign for ADCY3-related condition. Last evaluated: 2020-11-11. Review status: no assertion criteria provided. Collection method: clinical testing. Allele origin: germline.
Comment: This variant is classified as likely benign based on ACMG/AMP sequence variant interpretation guidelines (Richards et al. 2015 PMID: 25741868, with internal and published modifications).

NM_004036.5(ADCY3):c.1359C>T (p.Arg453=)

Gene: ADCY3 (adenylate cyclase 3; minus strand). Cytogenetic location: 2p23.3.
Variant type: single nucleotide variant.
Coding change: c.1359C>T on transcript NM_004036.5 (MANE Select); coding-DNA position 1359, C replaced by T.
Protein change: p.Arg453=; no amino-acid change (arginine 453 retained).
Molecular consequence: synonymous variant.
Genome position (GRCh38, 1-based): chr2:24,838,619, G>A on the plus strand (C>T on the coding strand, the complement: ADCY3 is on the minus strand). VCF-style: chr2-24838619-G-A. GRCh37 (hg19) VCF-style: chr2-25061488-G-A.
Other names: c.1359C>T, p.Arg453= (NM_001320613.2, NM_001377129.1, NM_001377130.1 and 1 more transcripts); c.1425C>T, p.Arg475= (NM_001377128.1); c.636C>T, p.Arg212= (NM_001377131.1).
Identifiers: ClinVar variation 3353351 (VCV003353351.1).